The following is an entry in ClinVar:

ClinVar aggregate classification (germline): Uncertain significance (1 of 4 stars; one submission).

Allele frequency attached by ClinVar (database versions not stated): ExAC 0.00001; gnomAD exomes 0.00002; gnomAD 0.00003.
gnomAD v4.1: 27 of 1,608,232 alleles (0.0017%); highest among the groups gnomAD compares: Non-Finnish European, 0.0022%; no homozygotes.

Submission:

Labcorp Genetics (formerly Invitae), Labcorp
Classification: Uncertain significance. Last evaluated: 2022-08-22. Review status: criteria provided, single submitter. Criteria: Invitae Variant Classification Sherloc (09022015). Collection method: clinical testing. Allele origin: germline.
Comment: This variant has not been reported in the literature in individuals affected with HMCN1-related conditions. In summary, the available evidence is currently insufficient to determine the role of this variant in disease. Therefore, it has been classified as a Variant of Uncertain Significance. Algorithms developed to predict the effect of missense changes on protein structure and function are either unavailable or do not agree on the potential impact of this missense change (SIFT: "Deleterious"; PolyPhen-2: "Probably Damaging"; Align-GVGD: "Class C0"). This variant is present in population databases (rs374625224, gnomAD 0.003%). This sequence change replaces valine, which is neutral and non-polar, with phenylalanine, which is neutral and non-polar, at codon 2008 of the HMCN1 protein (p.Val2008Phe).

NM_031935.3(HMCN1):c.6022G>T (p.Val2008Phe)

Gene: HMCN1 (hemicentin 1; plus strand). Cytogenetic location: 1q31.1.
Variant type: single nucleotide variant.
Coding change: c.6022G>T on transcript NM_031935.3 (MANE Select); coding-DNA position 6022, G replaced by T.
Protein change: p.Val2008Phe; replaces valine 2008 with phenylalanine.
Molecular consequence: missense variant.
Genome position (GRCh38, 1-based): chr1:186,038,999, G>T. VCF-style: chr1-186038999-G-T. GRCh37 (hg19) VCF-style: chr1-186008131-G-T.
Other names: short protein forms V2008F.
Identifiers: ClinVar variation 2082509 (VCV002082509.4), dbSNP rs374625224, ClinGen allele CA1292430.